The following is an entry in ClinVar:

ClinVar aggregate classification (germline): Conflicting classifications of pathogenicity. Review status: criteria provided, conflicting classifications (1 of 4 stars). 2 submissions from 2 submitters: Uncertain significance (1); Likely benign (1). Last evaluated 2026-04-21.

gnomAD v4.1: 1 of 1,610,104 alleles (0.000062%); highest among the groups gnomAD compares: African/African-American, 0.0013%; no homozygotes.

Submissions (2):

GeneDx
Classification: Uncertain significance. Last evaluated: 2026-04-21. Review status: criteria provided, single submitter. Criteria: GeneDx Variant Classification Process June 2021. Collection method: clinical testing. Allele origin: germline.
Comment: Not observed at significant frequency in large population cohorts (gnomAD); In silico analysis supports a deleterious effect on splicing; Has not been previously published as pathogenic or benign to our knowledge

Labcorp Genetics (formerly Invitae), Labcorp
Classification: Likely benign. Last evaluated: 2024-05-29. Review status: criteria provided, single submitter. Criteria: Invitae Variant Classification Sherloc (09022015). Collection method: clinical testing. Allele origin: germline.

NM_001286.5(CLCN6):c.1793+7C>T

Gene: CLCN6 (Cl-/H+ antiporter 6; plus strand). Cytogenetic location: 1p36.22.
Variant type: single nucleotide variant.
Coding change: c.1793+7C>T on transcript NM_001286.5 (MANE Select); 7 bases into the intron after coding-DNA position 1793, C replaced by T.
Molecular consequence: intron variant.
Genome position (GRCh38, 1-based): chr1:11,834,597, C>T. VCF-style: chr1-11834597-C-T. GRCh37 (hg19) VCF-style: chr1-11894654-C-T.
Other names: c.1727+7C>T (NM_001256959.2).
Identifiers: ClinVar variation 3654998 (VCV003654998.3).